The following is an entry in ClinVar:

NM_002693.3(POLG):c.745G>T (p.Val249Phe)

Gene: POLG (DNA polymerase gamma, catalytic subunit; minus strand). Cytogenetic location: 15q26.1.
Variant type: single nucleotide variant.
Coding change: c.745G>T on transcript NM_002693.3 (MANE Select); coding-DNA position 745, G replaced by T.
Protein change: p.Val249Phe; replaces valine 249 with phenylalanine.
Molecular consequence: missense variant.
Genome position (GRCh38, 1-based): chr15:89,330,191, C>A on the plus strand (G>T on the coding strand, the complement: POLG is on the minus strand). VCF-style: chr15-89330191-C-A. GRCh37 (hg19) VCF-style: chr15-89873422-C-A.
Other names: c.745G>T, p.Val249Phe (NM_001126131.2); short protein forms V249F.
Identifiers: ClinVar variation 2727039 (VCV002727039.2), dbSNP rs2509265567, ClinGen allele CA393767004.

ClinVar aggregate classification (germline): Uncertain significance (1 of 4 stars; one submission).

Conditions:
Progressive sclerosing poliodystrophy (MTDPS4A). Also called: ALPERS PROGRESSIVE INFANTILE POLIODYSTROPHY; NEURONAL DEGENERATION OF CHILDHOOD WITH LIVER DISEASE, PROGRESSIVE; Alpers Syndrome; ALPERS DIFFUSE DEGENERATION OF CEREBRAL GRAY MATTER WITH HEPATIC CIRRHOSIS; Alpers-Huttenlocher Syndrome; Mitochondrial DNA depletion syndrome 4A (Alpers type). Identifiers: Orphanet 726, MedGen C0205710, MONDO:0008758, OMIM 203700.

Allele frequency attached by ClinVar (database versions not stated): gnomAD exomes below 0.00001.
gnomAD v4.1: 1 of 1,613,750 alleles (0.000062%); highest among the groups gnomAD compares: Middle Eastern, 0.017%; no homozygotes.

Submission:

Labcorp Genetics (formerly Invitae), Labcorp
Classification: Uncertain significance for Progressive sclerosing poliodystrophy. Last evaluated: 2024-12-02. Review status: criteria provided, single submitter. Criteria: Invitae Variant Classification Sherloc (09022015). Collection method: clinical testing. Allele origin: germline.
Comment: This sequence change replaces valine, which is neutral and non-polar, with phenylalanine, which is neutral and non-polar, at codon 249 of the POLG protein (p.Val249Phe). This variant is not present in population databases (gnomAD no frequency). This variant has not been reported in the literature in individuals affected with POLG-related conditions. ClinVar contains an entry for this variant (Variation ID: 2727039). Invitae Evidence Modeling of protein sequence and biophysical properties (such as structural, functional, and spatial information, amino acid conservation, physicochemical variation, residue mobility, and thermodynamic stability) indicates that this missense variant is not expected to disrupt POLG protein function with a negative predictive value of 95%. In summary, the available evidence is currently insufficient to determine the role of this variant in disease. Therefore, it has been classified as a Variant of Uncertain Significance.